The following is an entry in ClinVar:

ClinVar aggregate classification (germline): Uncertain significance (1 of 4 stars; one submission).

Submission:

Labcorp Genetics (formerly Invitae), Labcorp
Classification: Uncertain significance. Last evaluated: 2022-12-06. Review status: criteria provided, single submitter. Criteria: Invitae Variant Classification Sherloc (09022015). Collection method: clinical testing. Allele origin: germline.
Comment: This sequence change replaces glutamic acid, which is acidic and polar, with valine, which is neutral and non-polar, at codon 72 of the CYP4V2 protein (p.Glu72Val). This variant is not present in population databases (gnomAD no frequency). This variant has not been reported in the literature in individuals affected with CYP4V2-related conditions. ClinVar contains an entry for this variant (Variation ID: 1490786). Algorithms developed to predict the effect of missense changes on protein structure and function are either unavailable or do not agree on the potential impact of this missense change (SIFT: "Deleterious"; PolyPhen-2: "Possibly Damaging"; Align-GVGD: "Class C0"). In summary, the available evidence is currently insufficient to determine the role of this variant in disease. Therefore, it has been classified as a Variant of Uncertain Significance.

NM_207352.4(CYP4V2):c.215A>T (p.Glu72Val)

Gene: CYP4V2 (cytochrome P450 family 4 subfamily V member 2; plus strand). Cytogenetic location: 4q35.1.
Variant type: single nucleotide variant.
Coding change: c.215A>T on transcript NM_207352.4 (MANE Select); coding-DNA position 215, A replaced by T.
Protein change: p.Glu72Val; replaces glutamic acid 72 with valine.
Molecular consequence: missense variant.
Genome position (GRCh38, 1-based): chr4:186,194,500, A>T. VCF-style: chr4-186194500-A-T. GRCh37 (hg19) VCF-style: chr4-187115654-A-T.
Other names: short protein forms E72V.
Identifiers: ClinVar variation 1490786 (VCV001490786.8), dbSNP rs2126581990, ClinGen allele CA358946793.